The following is an entry in ClinVar:

ClinVar aggregate classification (germline): Pathogenic. Review status: criteria provided, multiple submitters, no conflicts (2 of 4 stars). 5 submissions from 5 submitters: Pathogenic (5). Last evaluated 2025-08-20.

Conditions:
Hereditary cancer-predisposing syndrome. Also called: Tumor predisposition; Hereditary neoplastic syndrome; Neoplastic Syndromes, Hereditary; Hereditary Cancer Syndrome. Identifiers: Orphanet 140162, MedGen C0027672, MeSH D009386, MONDO:0015356.
Familial cancer of breast. Also called: hereditary breast carcinoma; BREAST CANCER, FAMILIAL; Hereditary breast cancer. Identifiers: Orphanet 227535, MedGen C0346153, MONDO:0016419, OMIM 114480. Disease mechanism: loss of function.

Submissions (5):

Ambry Genetics
Classification: Pathogenic for Hereditary cancer-predisposing syndrome. Last evaluated: 2025-08-20. Review status: criteria provided, single submitter. Criteria: Ambry Variant Classification Scheme 2023. Collection method: clinical testing. Allele origin: germline.
Comment: The c.3186delA pathogenic mutation, located in coding exon 11 of the PALB2 gene, results from a deletion of one nucleotide at nucleotide position 3186, causing a translational frameshift with a predicted alternate stop codon (p.A1063Pfs*12). This variant is considered to be rare based on population cohorts in the Genome Aggregation Database (gnomAD). This alteration is expected to result in loss of function by premature protein truncation or nonsense-mediated mRNA decay. As such, this alteration is interpreted as a disease-causing mutation.

Myriad Genetics, Inc.
Classification: Pathogenic for Familial cancer of breast. Last evaluated: 2023-09-14. Review status: criteria provided, single submitter. Criteria: Myriad Autosomal Dominant, Autosomal Recessive and X-Linked Classification Criteria (2023). Collection method: clinical testing. Allele origin: unknown.
Comment: This variant is considered pathogenic. This variant creates a frameshift predicted to result in premature protein truncation.

Labcorp Genetics (formerly Invitae), Labcorp
Classification: Pathogenic for Familial cancer of breast. Last evaluated: 2022-08-08. Review status: criteria provided, single submitter. Criteria: Invitae Variant Classification Sherloc (09022015). Collection method: clinical testing. Allele origin: germline.
Comment: This sequence change creates a premature translational stop signal (p.Ala1063Profs*12) in the PALB2 gene. It is expected to result in an absent or disrupted protein product. Loss-of-function variants in PALB2 are known to be pathogenic (PMID: 17200668, 17200671, 17200672, 24136930, 25099575). This variant is not present in population databases (gnomAD no frequency). This premature translational stop signal has been observed in individual(s) with breast cancer and/or ovarian cancer (PMID: 26845104). ClinVar contains an entry for this variant (Variation ID: 224540). For these reasons, this variant has been classified as Pathogenic.

Color Diagnostics, LLC DBA Color Health
Classification: Pathogenic for Hereditary cancer-predisposing syndrome. Last evaluated: 2020-08-20. Review status: criteria provided, single submitter. Criteria: ACMG Guidelines, 2015. Collection method: clinical testing. Allele origin: germline.
Comment: This variant deletes 1 nucleotide in exon 11 of the PALB2 gene, creating a frameshift and premature translation stop signal. This variant is expected to result in an absent or non-functional protein product. To our knowledge, this variant has not been reported in individuals affected with hereditary cancer in the literature. This variant has not been identified in the general population by the Genome Aggregation Database (gnomAD). Loss of PALB2 function is a known mechanism of disease. Based on the available evidence, this variant is classified as Pathogenic.

University of Washington Department of Laboratory Medicine, University of Washington
Classification: Pathogenic for Hereditary cancer-predisposing syndrome. Last evaluated: 2015-11-20. Review status: criteria provided, single submitter. Criteria: Shirts et al. (Genet Med 2016). Collection method: clinical testing. Allele origin: germline. Affected: yes. Observed: 1 variant allele.

Literature cited by the submitters: PubMed 17200668 (cited by Labcorp Genetics (formerly Invitae), Labcorp); PubMed 17200671 (cited by Labcorp Genetics (formerly Invitae), Labcorp); PubMed 17200672 (cited by Labcorp Genetics (formerly Invitae), Labcorp); PubMed 24136930 (cited by Labcorp Genetics (formerly Invitae), Labcorp); PubMed 25099575 (cited by Labcorp Genetics (formerly Invitae), Labcorp); PubMed 26845104 (cited by Labcorp Genetics (formerly Invitae), Labcorp).

NM_024675.4(PALB2):c.3186del (p.Ala1063fs)

Gene: PALB2 (partner and localizer of BRCA2; minus strand). Cytogenetic location: 16p12.2.
Variant type: Deletion.
Coding change: c.3186del on transcript NM_024675.4 (MANE Select); coding-DNA position 3186, one base deleted (A; older notation c.3186delA).
Protein change: p.Ala1063fs; shifts the reading frame from alanine 1063.
Molecular consequence: frameshift variant.
Genome position (GRCh38, 1-based): chr16:23,614,019, T deleted on the plus strand (A on the coding strand, the reverse complement: PALB2 is on the minus strand); the first of 3 consecutive T bases (chr16:23,614,019-23,614,021); deleting any one gives the same sequence. VCF-style (leftmost placement, unchanged base first): chr16-23614018-CT-C. GRCh37 (hg19) VCF-style: chr16-23625339-CT-C.
Other names: c.3186delA (NM_024675.3); short protein forms A1063fs.
Identifiers: ClinVar variation 224540 (VCV000224540.15), dbSNP rs869312774, ClinGen allele CA353510.